The following is an entry in ClinVar:

NM_004086.3(COCH):c.1477+1G>C

Genes: COCH (cochlin; plus strand), COCH-AS1 (COCH antisense RNA 1; minus strand). Cytogenetic location: 14q12.
Variant type: single nucleotide variant.
Coding change: c.1477+1G>C on transcript NM_004086.3 (MANE Select); the canonical splice donor site of the intron after coding-DNA position 1477, G replaced by C.
Molecular consequence: splice donor variant. On other transcripts: non-coding transcript variant (1).
Genome position (GRCh38, 1-based): chr14:30,886,313, G>C. VCF-style: chr14-30886313-G-C. GRCh37 (hg19) VCF-style: chr14-31355519-G-C.
Other names: c.1672+1G>C (NM_001347720.2); c.1477+1G>C (NM_001135058.2).
Identifiers: ClinVar variation 3256972 (VCV003256972.19).

ClinVar aggregate classification (germline): Likely pathogenic. Review status: criteria provided, multiple submitters, no conflicts (2 of 4 stars). 2 submissions from 2 submitters: Likely pathogenic (2). Last evaluated 2026-05-12.

Conditions:
Monogenic hearing loss.

gnomAD v4.1: 1 of 1,614,072 alleles (0.000062%); highest among the groups gnomAD compares: Non-Finnish European, 0.000085%; no homozygotes.

Submissions (2):

Genetics Laboratory, Great Ormond Street Hospital NHS Foundation Trust, North Thames Genomic Laboratory Hub
Classification: Likely pathogenic for Monogenic hearing loss. Last evaluated: 2026-05-12. Review status: criteria provided, single submitter. Criteria: ACGS Best Practice Guidelines for Variant Classification in Rare Disease 2024 v1.2. Collection method: clinical testing. Allele origin: germline. Affected: yes.
Comment: PM2_moderate, PVS1_moderate, PM3_moderate

CeGaT Center for Human Genetics Tuebingen
Classification: Likely pathogenic. Last evaluated: 2025-02-01. Review status: criteria provided, single submitter. Criteria: CeGaT Center For Human Genetics Tuebingen Variant Classification Criteria Version 2. Collection method: clinical testing. Allele origin: germline. Affected: yes. Observed: 2 variant alleles.
Comment: COCH: PVS1:Strong, PM2, PM3:Supporting